The following is an entry in ClinVar:

NM_000836.4(GRIN2D):c.3346G>A (p.Glu1116Lys)

Gene: GRIN2D (glutamate ionotropic receptor NMDA type subunit 2D; plus strand). Cytogenetic location: 19q13.33.
Variant type: single nucleotide variant.
Coding change: c.3346G>A on transcript NM_000836.4 (MANE Select); coding-DNA position 3346, G replaced by A.
Protein change: p.Glu1116Lys; replaces glutamic acid 1116 with lysine.
Molecular consequence: missense variant.
Genome position (GRCh38, 1-based): chr19:48,443,272, G>A. VCF-style: chr19-48443272-G-A. GRCh37 (hg19) VCF-style: chr19-48946529-G-A.
Other names: short protein forms E1116K.
Identifiers: ClinVar variation 1395300 (VCV001395300.4), dbSNP rs754785336, ClinGen allele CA9550835.
Genomic context (GRCh38, chr19:48,443,272, plus strand): 5'-TGCCGCGCCGCGCCGCCCCCGTGCCCTTACCTCGATCTCGAGCCGTCGCCGTCGGACTCG[G>A]AGGACTCGGAGAGCCTGGGCGGCGCGTCGCTGGGCGGCCTGGAGCCCTGGTGGTTCGCCG-3'
Protein context (NP_000827.2, residues 1106-1126): LDLEPSPSDS[Glu1116Lys]DSESLGGASL

ClinVar aggregate classification (germline): Uncertain significance (1 of 4 stars; one submission).

Allele frequency attached by ClinVar (database versions not stated): gnomAD exomes below 0.00001 and 0.00001; gnomAD 0.00001; ExAC 0.00002; TOPMed 0.00002.

Submission:

Labcorp Genetics (formerly Invitae), Labcorp
Classification: Uncertain significance. Last evaluated: 2023-11-24. Review status: criteria provided, single submitter. Criteria: Invitae Variant Classification Sherloc (09022015). Collection method: clinical testing. Allele origin: germline.
Comment: This sequence change replaces glutamic acid, which is acidic and polar, with lysine, which is basic and polar, at codon 1116 of the GRIN2D protein (p.Glu1116Lys). The frequency data for this variant in the population databases is considered unreliable, as metrics indicate poor data quality at this position in the gnomAD database. This variant has not been reported in the literature in individuals affected with GRIN2D-related conditions. ClinVar contains an entry for this variant (Variation ID: 1395300). Advanced modeling of protein sequence and biophysical properties (such as structural, functional, and spatial information, amino acid conservation, physicochemical variation, residue mobility, and thermodynamic stability) performed at Invitae indicates that this missense variant is not expected to disrupt GRIN2D protein function with a negative predictive value of 95%. In summary, the available evidence is currently insufficient to determine the role of this variant in disease. Therefore, it has been classified as a Variant of Uncertain Significance.